The following is an entry in ClinVar:

NM_000070.3(CAPN3):c.2163G>A (p.Trp721Ter)

Gene: CAPN3 (calpain 3; plus strand). Cytogenetic location: 15q15.1.
Variant type: single nucleotide variant.
Coding change: c.2163G>A on transcript NM_000070.3 (MANE Select); coding-DNA position 2163, G replaced by A.
Protein change: p.Trp721Ter; replaces tryptophan 721 with a stop codon.
Molecular consequence: nonsense.
Genome position (GRCh38, 1-based): chr15:42,410,475, G>A. VCF-style: chr15-42410475-G-A. GRCh37 (hg19) VCF-style: chr15-42702673-G-A.
Other names: c.2145G>A, p.Trp715Ter (NM_024344.2); c.1887G>A, p.Trp629Ter (NM_173087.2); c.627G>A, p.Trp209Ter (NM_173088.2); c.168G>A, p.Trp56Ter (NM_173089.2, NM_173090.2); short protein forms W209*, W56*, W629*, W715*, W721*.
Identifiers: ClinVar variation 984013 (VCV000984013.9), dbSNP rs2054179951, ClinGen allele CA392001703.

ClinVar aggregate classification (germline): Pathogenic/Likely pathogenic. Review status: criteria provided, multiple submitters, no conflicts (2 of 4 stars). 2 submissions from 2 submitters: Pathogenic (1); Likely pathogenic (1). Last evaluated 2021-10-03.

Conditions:
Autosomal recessive limb-girdle muscular dystrophy type 2A (LGMDR1). Also called: Limb-girdle muscular dystrophy, type 2A; Calpainopathy; LEYDEN-MOEBIUS MUSCULAR DYSTROPHY; MUSCULAR DYSTROPHY, PELVOFEMORAL; Muscular dystrophy, limb-girdle, type 2A, Amish. Identifiers: Orphanet 267, MedGen C1869123, MONDO:0009675, OMIM 253600. Disease mechanism: loss of function.

Submissions (2):

Labcorp Genetics (formerly Invitae), Labcorp
Classification: Pathogenic for Autosomal recessive limb-girdle muscular dystrophy type 2A. Last evaluated: 2021-10-03. Review status: criteria provided, single submitter. Criteria: Invitae Variant Classification Sherloc (09022015). Collection method: clinical testing. Allele origin: germline.
Comment: For these reasons, this variant has been classified as Pathogenic. ClinVar contains an entry for this variant (Variation ID: 984013). This variant has not been reported in the literature in individuals affected with CAPN3-related conditions. This variant is not present in population databases (ExAC no frequency). This sequence change creates a premature translational stop signal (p.Trp721*) in the CAPN3 gene. It is expected to result in an absent or disrupted protein product. Loss-of-function variants in CAPN3 are known to be pathogenic (PMID: 10330340, 15689361).

Myriad Genetics, Inc.
Classification: Likely pathogenic for Autosomal recessive limb-girdle muscular dystrophy type 2A. Last evaluated: 2020-02-28. Review status: criteria provided, single submitter. Criteria: Myriad Women's Health Autosomal Recessive and X-Linked Classification Criteria (2019). Collection method: clinical testing. Allele origin: unknown.
Comment: NM_000070.2(CAPN3):c.2163G>A(W721*) is expected to be pathogenic in the context of calpainopathy. This variant is predicted to lead to an abnormal or absent protein product due to the creation of a premature termination codon in CAPN3, a gene where loss-of-function variants are known to be pathogenic. Please note: this variant was assessed in the context of healthy population screening.

Literature cited by the submitters: PubMed 10330340 (cited by Labcorp Genetics (formerly Invitae), Labcorp); PubMed 15689361 (cited by Labcorp Genetics (formerly Invitae), Labcorp).